The following is an entry in ClinVar:

NM_001098426.2(SMARCD2):c.44G>A (p.Ser15Asn)

Genes: SMARCD2 (SWI/SNF related BAF chromatin remodeling complex subunit D2; minus strand), LOC130061409 (ATAC-STARR-seq lymphoblastoid silent region 8832; plus strand). Cytogenetic location: 17q23.3.
Variant type: single nucleotide variant.
Coding change: c.44G>A on transcript NM_001098426.2 (MANE Select); coding-DNA position 44, G replaced by A.
Protein change: p.Ser15Asn; replaces serine 15 with asparagine.
Molecular consequence: missense variant.
Genome position (GRCh38, 1-based): chr17:63,842,631, C>T on the plus strand (G>A on the coding strand, the complement: SMARCD2 is on the minus strand). VCF-style: chr17-63842631-C-T. GRCh37 (hg19) VCF-style: chr17-61919991-C-T.
Other names: c.44G>A (NM_001098426.1); short protein forms S15N.
Identifiers: ClinVar variation 1388189 (VCV001388189.6), dbSNP rs1285282670, ClinGen allele CA400602337.
Genomic context (GRCh38, chr17:63,842,631, plus strand): 5'-CCGGGTCCCGCGGGGGGAGGCGGCGCTCCCAGGGCCGCAGCCACGGCGCCGCCGCCAGGG[C>T]TTAGCGGGGGCAGCGGGAACCCGCCCGCGCCTCGGCCCGACATCGCTCCGTCCCGTCCCG-3'
Protein context (NP_001091896.1, residues 5-25): GAGGFPLPPL[Ser15Asn]PGGGAVAAAL

ClinVar aggregate classification (germline): Uncertain significance. Review status: criteria provided, multiple submitters, no conflicts (2 of 4 stars). 2 submissions from 2 submitters: Uncertain significance (2). Last evaluated 2024-04-04.

Conditions:
Inborn genetic diseases. Identifiers: MedGen C0950123, MeSH D030342.

Allele frequency attached by ClinVar (database versions not stated): gnomAD 0.00001; TOPMed 0.00001.

Submissions (2):

Ambry Genetics
Classification: Uncertain significance for Inborn genetic diseases. Last evaluated: 2024-04-04. Review status: criteria provided, single submitter. Criteria: Ambry Variant Classification Scheme 2023. Collection method: clinical testing. Allele origin: germline.

Labcorp Genetics (formerly Invitae), Labcorp
Classification: Uncertain significance. Last evaluated: 2022-08-23. Review status: criteria provided, single submitter. Criteria: Invitae Variant Classification Sherloc (09022015). Collection method: clinical testing. Allele origin: germline.
Comment: This sequence change replaces serine, which is neutral and polar, with asparagine, which is neutral and polar, at codon 15 of the SMARCD2 protein (p.Ser15Asn). This variant is not present in population databases (gnomAD no frequency). This variant has not been reported in the literature in individuals affected with SMARCD2-related conditions. ClinVar contains an entry for this variant (Variation ID: 1388189). Algorithms developed to predict the effect of missense changes on protein structure and function are either unavailable or do not agree on the potential impact of this missense change (SIFT: "Deleterious"; PolyPhen-2: "Not Available"; Align-GVGD: "Class C0"). In summary, the available evidence is currently insufficient to determine the role of this variant in disease. Therefore, it has been classified as a Variant of Uncertain Significance.